The following is an entry in ClinVar:

NM_030962.4(SBF2):c.1498C>T (p.Arg500Trp)

Gene: SBF2 (SET binding factor 2; minus strand). Cytogenetic location: 11p15.4.
Variant type: single nucleotide variant.
Coding change: c.1498C>T on transcript NM_030962.4 (MANE Select); coding-DNA position 1498, C replaced by T.
Protein change: p.Arg500Trp; replaces arginine 500 with tryptophan.
Molecular consequence: missense variant.
Genome position (GRCh38, 1-based): chr11:9,968,443, G>A on the plus strand (C>T on the coding strand, the complement: SBF2 is on the minus strand). VCF-style: chr11-9968443-G-A. GRCh37 (hg19) VCF-style: chr11-9989990-G-A.
Other names: c.1498C>T, p.Arg500Trp (NM_001386339.1); c.1369C>T, p.Arg457Trp (NM_001386342.1); short protein forms R500W, R457W.
Identifiers: ClinVar variation 1045339 (VCV001045339.7), dbSNP rs146366305, ClinGen allele CA5881813.

ClinVar aggregate classification (germline): Uncertain significance. Review status: criteria provided, multiple submitters, no conflicts (2 of 4 stars). 3 submissions from 3 submitters: Uncertain significance (3). Last evaluated 2022-02-01.

Conditions:
Charcot-Marie-Tooth disease type 4. Also called: Charcot-Marie-Tooth disease, type IV; Charcot-Marie-Tooth, Type 4. Identifiers: Orphanet 64749, MedGen C4082197, MONDO:0018995.
Charcot-Marie-Tooth disease type 4B2. Also called: CHARCOT-MARIE-TOOTH DISEASE, DEMYELINATING, TYPE 4B2; Charcot-Marie-Tooth Neuropathy Type 4B2; CHARCOT-MARIE-TOOTH DISEASE, WITH FOCALLY FOLDED MYELIN SHEATHS, AUTOSOMAL RECESSIVE, TYPE 4B2; CMT 4B2. Identifiers: Orphanet 99956, MedGen C1858278, MONDO:0011475, OMIM 604563.

Allele frequency attached by ClinVar (database versions not stated): ExAC 0.00005; gnomAD exomes 0.00007; gnomAD 0.00011 and 0.00012; ESP Exome Variant Server 0.00015; TOPMed 0.00017; 1000 Genomes Project 0.00020; 1000 Genomes Project 30x 0.00031.
gnomAD v4.1: 52 of 1,613,798 alleles (0.0032%); highest among the groups gnomAD compares: African/African-American, 0.035%; no homozygotes.

Submissions (3):

Labcorp Genetics (formerly Invitae), Labcorp
Classification: Uncertain significance for Charcot-Marie-Tooth disease type 4. Last evaluated: 2022-02-01. Review status: criteria provided, single submitter. Criteria: Invitae Variant Classification Sherloc (09022015). Collection method: clinical testing. Allele origin: germline.
Comment: This sequence change replaces arginine, which is basic and polar, with tryptophan, which is neutral and slightly polar, at codon 500 of the SBF2 protein (p.Arg500Trp). This variant is present in population databases (rs146366305, gnomAD 0.05%). This variant has not been reported in the literature in individuals affected with SBF2-related conditions. ClinVar contains an entry for this variant (Variation ID: 1045339). Algorithms developed to predict the effect of missense changes on protein structure and function are either unavailable or do not agree on the potential impact of this missense change (SIFT: "Deleterious"; PolyPhen-2: "Benign"; Align-GVGD: "Class C0"). In summary, the available evidence is currently insufficient to determine the role of this variant in disease. Therefore, it has been classified as a Variant of Uncertain Significance.

Fulgent Genetics
Classification: Uncertain significance for Charcot-Marie-Tooth disease type 4B2. Last evaluated: 2021-12-21. Review status: criteria provided, single submitter. Criteria: ACMG Guidelines, 2015. Collection method: clinical testing. Allele origin: unknown.

GeneDx
Classification: Uncertain significance. Last evaluated: 2019-08-05. Review status: criteria provided, single submitter. Criteria: GeneDx Variant Classification Process June 2021. Collection method: clinical testing. Allele origin: germline. Affected: yes.
Comment: In silico analysis, which includes protein predictors and evolutionary conservation, supports that this variant does not alter protein structure/function; Has not been previously published as pathogenic or benign to our knowledge